The following is an entry in ClinVar:

NM_000334.4(SCN4A):c.4457G>T (p.Gly1486Val)

Genes: GH-LCR (growth hormone locus control region; plus strand), SCN4A (sodium voltage-gated channel alpha subunit 4; minus strand). Cytogenetic location: 17q23.3.
Variant type: single nucleotide variant.
Coding change: c.4457G>T on transcript NM_000334.4 (MANE Select); coding-DNA position 4457, G replaced by T.
Protein change: p.Gly1486Val; replaces glycine 1486 with valine.
Molecular consequence: missense variant.
Genome position (GRCh38, 1-based): chr17:63,941,825, C>A on the plus strand (G>T on the coding strand, the complement: SCN4A is on the minus strand). VCF-style: chr17-63941825-C-A. GRCh37 (hg19) VCF-style: chr17-62019185-C-A.
Other names: short protein forms G1486V.
Identifiers: ClinVar variation 837721 (VCV000837721.14), dbSNP rs1567816424, ClinGen allele CA400615981.

ClinVar aggregate classification (germline): Uncertain significance. Review status: criteria provided, multiple submitters, no conflicts (2 of 4 stars). 3 submissions from 3 submitters: Uncertain significance (3). Last evaluated 2023-04-18.

Conditions:
Hyperkalemic periodic paralysis. Also called: Familial hyperkalemic periodic paralysis; Gamstorp disease. Identifiers: Orphanet 682, MedGen C0238357, MONDO:0008224, OMIM 170500, HP:0007215.

Submissions (3):

GeneDx
Classification: Uncertain significance. Last evaluated: 2023-04-18. Review status: criteria provided, single submitter. Criteria: GeneDx Variant Classification Process June 2021. Collection method: clinical testing. Allele origin: germline. Affected: yes.
Comment: Reported previously as a maternally inherited variant in a patient with recurrent episodic limb pain in legs, stiffness, gait disturbance, facial stiffness, moderately elevated CK, and abnormal EMG; the mother was reported to have similar symptoms (Lau et al., 2019); Not observed at significant frequency in large population cohorts (gnomAD); In silico analysis supports that this missense variant has a deleterious effect on protein structure/function; This variant is associated with the following publications: (PMID: Lau_2019_CaseReport)

Revvity Omics, Revvity
Classification: Uncertain significance. Last evaluated: 2022-07-28. Review status: criteria provided, single submitter. Criteria: ACMG Guidelines, 2015. Collection method: clinical testing. Allele origin: germline.

Labcorp Genetics (formerly Invitae), Labcorp
Classification: Uncertain significance for Hyperkalemic periodic paralysis. Last evaluated: 2022-07-10. Review status: criteria provided, single submitter. Criteria: Invitae Variant Classification Sherloc (09022015). Collection method: clinical testing. Allele origin: germline.
Comment: This variant has not been reported in the literature in individuals affected with SCN4A-related conditions. ClinVar contains an entry for this variant (Variation ID: 837721). Algorithms developed to predict the effect of missense changes on protein structure and function (SIFT, PolyPhen-2, Align-GVGD) all suggest that this variant is likely to be disruptive. In summary, the available evidence is currently insufficient to determine the role of this variant in disease. Therefore, it has been classified as a Variant of Uncertain Significance. This variant is not present in population databases (gnomAD no frequency). This sequence change replaces glycine, which is neutral and non-polar, with valine, which is neutral and non-polar, at codon 1486 of the SCN4A protein (p.Gly1486Val).